The following is an entry in ClinVar:

NM_183235.3(RAB27A):c.41C>A (p.Ala14Asp)

Gene: RAB27A (RAB27A, member RAS oncogene family; minus strand). Cytogenetic location: 15q21.3.
Variant type: single nucleotide variant.
Coding change: c.41C>A on transcript NM_183235.3 (MANE Select); coding-DNA position 41, C replaced by A.
Protein change: p.Ala14Asp; replaces alanine 14 with aspartic acid.
Molecular consequence: missense variant.
Genome position (GRCh38, 1-based): chr15:55,234,894, G>T on the plus strand (C>A on the coding strand, the complement: RAB27A is on the minus strand). VCF-style: chr15-55234894-G-T. GRCh37 (hg19) VCF-style: chr15-55527092-G-T.
Other names: c.41C>A, p.Ala14Asp (NM_004580.5, NM_183234.3, NM_183236.3); short protein forms A14D.
Identifiers: ClinVar variation 3636601 (VCV003636601.2).
Genomic context (GRCh38, chr15:55,234,894, plus strand): 5'-AATTTACCATCTGTATATTGGTAAAGTACACTGGTCTTCCCTACACCAGAGTCTCCCAAA[G>T]CTAAAAACTTGATGAGGTAATCATAATCTCCATCAGACATAATGAAGAACTCAGTAGTTC-3'
Protein context (NP_899058.1, residues 4-24): GDYDYLIKFL[Ala14Asp]LGDSGVGKTS

ClinVar aggregate classification (germline): Uncertain significance (1 of 4 stars; one submission).

Conditions:
Griscelli syndrome type 2 (GS2). Also called: GRISCELLI SYNDROME WITH HEMOPHAGOCYTIC SYNDROME; PAID SYNDROME; PARTIAL ALBINISM AND IMMUNODEFICIENCY SYNDROME. Identifiers: Orphanet 381, Orphanet 79477, MedGen C1868679, MONDO:0011872, OMIM 607624.

Submission:

Labcorp Genetics (formerly Invitae), Labcorp
Classification: Uncertain significance for Griscelli syndrome type 2. Last evaluated: 2024-07-16. Review status: criteria provided, single submitter. Criteria: Invitae Variant Classification Sherloc (09022015). Collection method: clinical testing. Allele origin: germline.
Comment: This sequence change replaces alanine, which is neutral and non-polar, with aspartic acid, which is acidic and polar, at codon 14 of the RAB27A protein (p.Ala14Asp). This variant is not present in population databases (gnomAD no frequency). This variant has not been reported in the literature in individuals affected with RAB27A-related conditions. Advanced modeling of protein sequence and biophysical properties (such as structural, functional, and spatial information, amino acid conservation, physicochemical variation, residue mobility, and thermodynamic stability) performed at Invitae indicates that this missense variant is expected to disrupt RAB27A protein function with a positive predictive value of 95%. In summary, the available evidence is currently insufficient to determine the role of this variant in disease. Therefore, it has been classified as a Variant of Uncertain Significance.